The following is an entry in ClinVar:

ClinVar aggregate classification (germline): Uncertain significance. Review status: criteria provided, multiple submitters, no conflicts (2 of 4 stars). 2 submissions from 2 submitters: Uncertain significance (2). Last evaluated 2022-11-11.

Submissions (2):

Quest Diagnostics Nichols Institute San Juan Capistrano
Classification: Uncertain significance. Last evaluated: 2022-11-11. Review status: criteria provided, single submitter. Criteria: Quest Diagnostics criteria. Collection method: clinical testing. Allele origin: unknown.
Comment: The variant has not been reported in the published literature. It also has not been reported in large, multi-ethnic general populations. Analysis of this variant using software algorithms for the prediction of the effect of nucleotide changes on splicing yielded predictions that this variant does not affect BRCA2 mRNA splicing . Based on the available information, we are unable to determine the clinical significance of this variant.

Women's Health and Genetics/Laboratory Corporation of America, LabCorp
Classification: Uncertain significance. Last evaluated: 2020-07-03. Review status: criteria provided, single submitter. Criteria: LabCorp Variant Classification Summary - May 2015. Collection method: clinical testing. Allele origin: germline.
Comment: Variant summary: BRCA2 c.8633-3T>A alters a non-conserved nucleotide located close to a canonical splice site and therefore could affect mRNA splicing, leading to a significantly altered protein sequence. 4/4 computational tools predict no significant impact on normal splicing. However, these predictions have yet to be confirmed by functional studies. The variant was absent in 251140 control chromosomes. The available data on variant occurrences in the general population are insufficient to allow any conclusion about variant significance. To our knowledge, no occurrence of c.8633-3T>A in individuals affected with Hereditary Breast And Ovarian Cancer Syndrome and no experimental evidence demonstrating its impact on protein function have been reported. No clinical diagnostic laboratories have submitted clinical-significance assessments for this variant to ClinVar after 2014. Based on the evidence outlined above, the variant was classified as uncertain significance.

NM_000059.4(BRCA2):c.8633-3T>A

Gene: BRCA2 (BRCA2 DNA repair associated; plus strand). Cytogenetic location: 13q13.1.
Variant type: single nucleotide variant.
Coding change: c.8633-3T>A on transcript NM_000059.4 (MANE Select); 3 bases into the intron before coding-DNA position 8633, T replaced by A.
Molecular consequence: intron variant.
Genome position (GRCh38, 1-based): chr13:32,376,667, T>A. VCF-style: chr13-32376667-T-A. GRCh37 (hg19) VCF-style: chr13-32950804-T-A.
Identifiers: ClinVar variation 974949 (VCV000974949.3), dbSNP rs1283205861, ClinGen allele CA1139663179.